The following is an entry in ClinVar:

NM_001244008.2(KIF1A):c.3716A>T (p.Tyr1239Phe)

Gene: KIF1A (kinesin family member 1A; minus strand). Cytogenetic location: 2q37.3.
Variant type: single nucleotide variant.
Coding change: c.3716A>T on transcript NM_001244008.2 (MANE Select); coding-DNA position 3716, A replaced by T.
Protein change: p.Tyr1239Phe; replaces tyrosine 1239 with phenylalanine.
Molecular consequence: missense variant.
Genome position (GRCh38, 1-based): chr2:240,741,302, T>A on the plus strand (A>T on the coding strand, the complement: KIF1A is on the minus strand). VCF-style: chr2-240741302-T-A. GRCh37 (hg19) VCF-style: chr2-241680719-T-A.
Other names: c.3440A>T, p.Tyr1147Phe (NM_001320705.2, NM_001330289.2, NM_001379638.1); c.3515A>T, p.Tyr1172Phe (NM_001330290.2, NM_001379634.1, NM_001379635.1 and 1 more transcripts); c.3791A>T, p.Tyr1264Phe (NM_001379631.1); c.3665A>T, p.Tyr1222Phe (NM_001379632.1); c.3689A>T, p.Tyr1230Phe (NM_001379633.1, NM_001379642.1, NM_001379645.1); c.3413A>T, p.Tyr1138Phe (NM_001379636.1, NM_001379639.1, NM_001379641.1 and 6 more transcripts); c.3488A>T, p.Tyr1163Phe (NM_001379637.1, NM_001379648.1); c.3410A>T, p.Tyr1137Phe (NM_001379640.1); short protein forms Y1138F, Y1163F, Y1230F, Y1239F, Y1264F, Y1137F, Y1147F, Y1222F.
Identifiers: ClinVar variation 2954387 (VCV002954387.3), dbSNP rs999800395, ClinGen allele CA351315292.
Genomic context (GRCh38, chr2:240,741,302, plus strand): 5'-CCTGGGGGCCCCAGCACCAGCACTCACTCGCCGTTGGCCTCCAGCTCACAGATCTCGAAG[T>A]AGACCAGCAGGTCGTACTTGCAGTGGCAGGGTCCCGGACAGGGCCGCGTCAGTGTGCTGA-3'
Protein context (NP_001230937.1, residues 1229-1249): PCHCKYDLLV[Tyr1239Phe]FEICELEANG

ClinVar aggregate classification (germline): Uncertain significance (1 of 4 stars; one submission).

Conditions:
Neuropathy, hereditary sensory, type 2C. Also called: KIF1A-Related HSAN2 (HSAN2C); Hereditary sensory and autonomic neuropathy type IIC. Identifiers: Orphanet 970, MedGen C3280168, MONDO:0013634, OMIM 614213.
Hereditary spastic paraplegia 30. Identifiers: Orphanet 101010, MedGen C5235139, MONDO:0012476.
Intellectual disability, autosomal dominant 9 (NESCAVS). Also called: NESCAV SYNDROME; KIF1A-Related Neurodevelopmental Disorder. Identifiers: Orphanet 662367, MedGen C5393830, MONDO:0013656, OMIM 614255.

Submission:

Labcorp Genetics (formerly Invitae), Labcorp
Classification: Uncertain significance for Hereditary spastic paraplegia 30; Neuropathy, hereditary sensory, type 2C; Intellectual disability, autosomal dominant 9. Last evaluated: 2023-12-02. Review status: criteria provided, single submitter. Criteria: Invitae Variant Classification Sherloc (09022015). Collection method: clinical testing. Allele origin: germline.
Comment: This sequence change replaces tyrosine, which is neutral and polar, with phenylalanine, which is neutral and non-polar, at codon 1138 of the KIF1A protein (p.Tyr1138Phe). This variant is not present in population databases (gnomAD no frequency). This variant has not been reported in the literature in individuals affected with KIF1A-related conditions. Advanced modeling of protein sequence and biophysical properties (such as structural, functional, and spatial information, amino acid conservation, physicochemical variation, residue mobility, and thermodynamic stability) performed at Invitae indicates that this missense variant is not expected to disrupt KIF1A protein function with a negative predictive value of 95%. In summary, the available evidence is currently insufficient to determine the role of this variant in disease. Therefore, it has been classified as a Variant of Uncertain Significance.